The following is an entry in ClinVar:

ClinVar aggregate classification (germline): Uncertain significance (1 of 4 stars; one submission).

Submission:

Labcorp Genetics (formerly Invitae), Labcorp
Classification: Uncertain significance. Last evaluated: 2022-05-16. Review status: criteria provided, single submitter. Criteria: Invitae Variant Classification Sherloc (09022015). Collection method: clinical testing. Allele origin: germline.
Comment: In summary, the available evidence is currently insufficient to determine the role of this variant in disease. Therefore, it has been classified as a Variant of Uncertain Significance. This variant, c.1603_1605del, results in the deletion of 1 amino acid(s) of the LZTS1 protein (p.Glu535del), but otherwise preserves the integrity of the reading frame. This variant is not present in population databases (gnomAD no frequency). This variant has not been reported in the literature in individuals affected with LZTS1-related conditions. Experimental studies and prediction algorithms are not available or were not evaluated, and the functional significance of this variant is currently unknown.

NM_021020.5(LZTS1):c.1600GAG[1] (p.Glu535del)

Gene: LZTS1 (leucine zipper tumor suppressor 1; minus strand). Cytogenetic location: 8p21.3.
Variant type: Microsatellite.
Coding change: c.1600GAG[1] on transcript NM_021020.5 (MANE Select); one copy of the 3-base unit GAG starting at c.1600; the reference has two copies in a row; one copy, 3 bases deleted.
Protein change: p.Glu535del; deletes glutamic acid 535.
Molecular consequence: inframe deletion.
Genome position (GRCh38, 1-based): chr8:20,249,908-20,249,910, CTC deleted on the plus strand (GAG on the coding strand, the reverse complement: LZTS1 is on the minus strand); deleting any 3 consecutive bases within chr8:20,249,908-20,249,915 gives the same sequence; the position shown is the placement nearest the transcript's 3' end. VCF-style (leftmost placement, unchanged base first): chr8-20249907-TCTC-T. GRCh37 (hg19) VCF-style: chr8-20107418-TCTC-T.
Other names: c.1600GAG[1], p.Glu535del (NM_001362884.2); short protein forms E535del.
Identifiers: ClinVar variation 1929766 (VCV001929766.5), dbSNP rs2486296059, ClinGen allele CA2579106860.
Genomic context (GRCh38, chr8:20,249,907, plus strand): 5'-GCTGGTACATGGCCACGTAGCTCTGCTGCAGCTGTTTCTGGTACTGAATCACCTTCTCCT[TCTC>T]CTCCTTCCACACGAGCCGCTCATGCTGGAAGCCCGAGGACATCTGGTCATGGCCTTGCCG-3'